The following is an entry in ClinVar:

NM_000069.3(CACNA1S):c.160G>A (p.Glu54Lys)

Gene: CACNA1S (calcium voltage-gated channel subunit alpha1 S; minus strand). Cytogenetic location: 1q32.1.
Variant type: single nucleotide variant.
Coding change: c.160G>A on transcript NM_000069.3 (MANE Select); coding-DNA position 160, G replaced by A.
Protein change: p.Glu54Lys; replaces glutamic acid 54 with lysine.
Molecular consequence: missense variant.
Genome position (GRCh38, 1-based): chr1:201,110,262, C>T on the plus strand (G>A on the coding strand, the complement: CACNA1S is on the minus strand). VCF-style: chr1-201110262-C-T. GRCh37 (hg19) VCF-style: chr1-201079390-C-T.
Other names: short protein forms E54K.
Identifiers: ClinVar variation 1704070 (VCV001704070.5), dbSNP rs1553254121, ClinGen allele CA344156270.

ClinVar aggregate classification (germline): Uncertain significance. Review status: criteria provided, multiple submitters, no conflicts (2 of 4 stars). 2 submissions from 2 submitters: Uncertain significance (2). Last evaluated 2023-10-15.

Conditions:
Hypokalemic periodic paralysis, type 1. Also called: HypoPP; Hypokalemic Periodic Paralysis Type 1 (AD). Identifiers: Orphanet 681, MedGen C3714580, MONDO:0042979, OMIM 170400.
Malignant hyperthermia, susceptibility to, 5 (MHS5). Also called: CACNA1S-Related Malignant Hyperthermia Susceptibility. Identifiers: Orphanet 423, MedGen C1866077, MONDO:0011163, OMIM 601887.

Submissions (2):

Labcorp Genetics (formerly Invitae), Labcorp
Classification: Uncertain significance for Hypokalemic periodic paralysis, type 1; Malignant hyperthermia, susceptibility to, 5. Last evaluated: 2023-10-15. Review status: criteria provided, single submitter. Criteria: Invitae Variant Classification Sherloc (09022015). Collection method: clinical testing. Allele origin: germline.
Comment: This sequence change replaces glutamic acid, which is acidic and polar, with lysine, which is basic and polar, at codon 54 of the CACNA1S protein (p.Glu54Lys). This variant is not present in population databases (gnomAD no frequency). This variant has not been reported in the literature in individuals affected with CACNA1S-related conditions. ClinVar contains an entry for this variant (Variation ID: 1704070). Advanced modeling of protein sequence and biophysical properties (such as structural, functional, and spatial information, amino acid conservation, physicochemical variation, residue mobility, and thermodynamic stability) performed at Invitae indicates that this missense variant is not expected to disrupt CACNA1S protein function. In summary, the available evidence is currently insufficient to determine the role of this variant in disease. Therefore, it has been classified as a Variant of Uncertain Significance.

GeneDx
Classification: Uncertain significance. Last evaluated: 2022-03-03. Review status: criteria provided, single submitter. Criteria: GeneDx Variant Classification Process June 2021. Collection method: clinical testing. Allele origin: germline. Affected: yes.
Comment: Not observed at significant frequency in large population cohorts (gnomAD); In silico analysis supports that this missense variant has a deleterious effect on protein structure/function; Has not been previously published as pathogenic or benign to our knowledge